The following is an entry in ClinVar:

NC_000022.10:g.(?_32150888)_(32164869_?)dup

Gene: DEPDC5 (DEP domain containing 5, GATOR1 subcomplex subunit; plus strand). Cytogenetic location: 22q12.2.
Variant type: Duplication.
Identifiers: ClinVar variation 1035632 (VCV001035632.5).

ClinVar aggregate classification (germline): Uncertain significance (1 of 4 stars; one submission).

Conditions:
Familial focal epilepsy with variable foci (FPEVF). Identifiers: Orphanet 98820, MedGen C1858477, MONDO:0020310.

Submission:

Labcorp Genetics (formerly Invitae), Labcorp
Classification: Uncertain significance for Familial focal epilepsy with variable foci. Last evaluated: 2020-08-27. Review status: criteria provided, single submitter. Criteria: Invitae Variant Classification Sherloc (09022015). Collection method: clinical testing. Allele origin: germline.
Comment: This variant has not been reported in the literature in individuals with DEPDC5-related conditions. This variant results in a copy number gain of the genomic region encompassing exon(s) 2-7 of the DEPDC5 gene, which includes the initiator codon. The 5' end of this event is unknown as it extends beyond the assayed region for this gene and therefore may encompass additional genes. The 3' boundary is likely confined to intron 7 of the DEPDC5 gene. As the precise location of this event is unknown, it may be in tandem or it may be located elsewhere in the genome. In summary, the available evidence is currently insufficient to determine the role of this variant in disease. Therefore, it has been classified as a Variant of Uncertain Significance.